The following is an entry in ClinVar:

ClinVar aggregate classification (germline): Uncertain significance (1 of 4 stars; one submission).

Conditions:
Arrhythmogenic right ventricular dysplasia 12. Also called: ARRHYTHMOGENIC RIGHT VENTRICULAR DYSPLASIA, FAMILIAL, 12. Identifiers: MedGen C1969081, MONDO:0012684, OMIM 611528.
Naxos disease (NXD). Also called: PALMOPLANTAR KERATODERMA WITH ARRHYTHMOGENIC RIGHT VENTRICULAR CARDIOMYOPATHY AND WOOLLY HAIR; WOOLLY HAIR, PALMOPLANTAR KERATODERMA, AND CARDIAC ABNORMALITIES; CARDIOMYOPATHY, ARRHYTHMOGENIC RIGHT VENTRICULAR, WITH SKIN, HAIR, AND NAIL ABNORMALITIES; KERATOSIS PALMOPLANTARIS WITH ARRHYTHMOGENIC CARDIOMYOPATHY; MAL DE NAXOS. Identifiers: Orphanet 34217, MedGen C1832600, MONDO:0011017, OMIM 601214.

Submission:

Labcorp Genetics (formerly Invitae), Labcorp
Classification: Uncertain significance for Arrhythmogenic right ventricular dysplasia 12; Naxos disease. Last evaluated: 2024-04-30. Review status: criteria provided, single submitter. Criteria: Invitae Variant Classification Sherloc (09022015). Collection method: clinical testing. Allele origin: germline.
Comment: This variant, c.1792_1794del, results in the deletion of 1 amino acid(s) of the JUP protein (p.Glu598del), but otherwise preserves the integrity of the reading frame. This variant is not present in population databases (gnomAD no frequency). This variant has not been reported in the literature in individuals affected with JUP-related conditions. Experimental studies and prediction algorithms are not available or were not evaluated, and the functional significance of this variant is currently unknown. In summary, the available evidence is currently insufficient to determine the role of this variant in disease. Therefore, it has been classified as a Variant of Uncertain Significance.

NM_002230.4(JUP):c.1792_1794del (p.Glu598del)

Gene: JUP (junction plakoglobin; minus strand). Cytogenetic location: 17q21.2.
Variant type: Deletion.
Coding change: c.1792_1794del on transcript NM_002230.4 (MANE Select); coding-DNA positions 1792 to 1794, 3 bases deleted (GAG; older notation c.1792_1794delGAG).
Protein change: p.Glu598del; deletes glutamic acid 598.
Molecular consequence: inframe deletion.
Genome position (GRCh38, 1-based): chr17:41,757,764-41,757,766, CTC deleted on the plus strand (GAG on the coding strand, the reverse complement: JUP is on the minus strand); deleting any 3 consecutive bases within chr17:41,757,764-41,757,767 gives the same sequence; the c. name uses the placement nearest the transcript's 3' end. VCF-style (leftmost placement, unchanged base first): chr17-41757763-TCTC-T. GRCh37 (hg19) VCF-style: chr17-39914015-TCTC-T.
Other names: c.1792_1794del, p.Glu598del (NM_001352773.2, NM_001352774.2, NM_001352775.2 and 3 more transcripts); short protein forms E598del.
Identifiers: ClinVar variation 3763214 (VCV003763214.2).
Genomic context (GRCh38, chr17:41,757,763, plus strand): 5'-CGGCCGCCTCCTTGTCCTGGGCCAGCTCACACAGCACCCCGGCAGCCACGCGCTGGATGT[TCTC>T]CACCGACGAGTACAGGAGCTGGGGAGAGGGGACGTGGGAAGCAGGGGAGAGGTGGAAAGG-3'